The following is an entry in ClinVar:

ClinVar aggregate classification (germline): Benign (0 of 4 stars; one submission).

Conditions:
HPSE-related disorder. Also called: HPSE-related condition.

Allele frequency attached by ClinVar (database versions not stated): gnomAD exomes 0.00730; ExAC 0.02475; gnomAD 0.07358; TOPMed 0.08363; 1000 Genomes Project 0.08506; 1000 Genomes Project 30x 0.08713; ESP Exome Variant Server 0.08773.

Submission:

PreventionGenetics, part of Exact Sciences
Classification: Benign for HPSE-related condition. Last evaluated: 2019-11-06. Review status: no assertion criteria provided. Collection method: clinical testing. Allele origin: germline.
Comment: This variant is classified as benign based on ACMG/AMP sequence variant interpretation guidelines (Richards et al. 2015 PMID: 25741868, with internal and published modifications).

NM_001098540.3(HPSE):c.1377T>C (p.Asn459=)

Gene: HPSE (heparanase; minus strand). Cytogenetic location: 4q21.23.
Variant type: single nucleotide variant.
Coding change: c.1377T>C on transcript NM_001098540.3 (MANE Select); coding-DNA position 1377, T replaced by C.
Protein change: p.Asn459=; no amino-acid change (asparagine 459 retained).
Molecular consequence: synonymous variant.
Genome position (GRCh38, 1-based): chr4:83,301,055, A>G on the plus strand (T>C on the coding strand, the complement: HPSE is on the minus strand). VCF-style: chr4-83301055-A-G. GRCh37 (hg19) VCF-style: chr4-84222208-A-G.
Other names: c.1155T>C, p.Asn385= (NM_001166498.3); c.1203T>C, p.Asn401= (NM_001199830.1); c.1377T>C, p.Asn459= (NM_006665.6).
Identifiers: ClinVar variation 3037827 (VCV003037827.2), dbSNP rs11031, ClinGen allele CA2988811.